The following is an entry in ClinVar:

NM_000344.4(SMN1):c.835-33T>G

Gene: SMN1 (survival of motor neuron 1, telomeric). Cytogenetic location: 5q13.2.
Variant type: single nucleotide variant.
Coding change: c.835-33T>G on transcript NM_000344.4 (MANE Select); 33 bases into the intron before coding-DNA position 835, T replaced by G.
Molecular consequence: intron variant.
Genome position (GRCh38, 1-based): chr5:70,951,908, T>G. VCF-style: chr5-70951908-T-G. GRCh37 (hg19) VCF-style: chr5-70247735-T-G.
Other names: c.835-531T>G (NM_001297715.1); c.739-33T>G (NM_022874.2).
Identifiers: ClinVar variation 632991 (VCV000632991.1), dbSNP rs1335244738, ClinGen allele CA813587392.

ClinVar aggregate classification (germline): Uncertain significance (1 of 4 stars; one submission).

Allele frequency attached by ClinVar (database versions not stated): gnomAD 0.00001; gnomAD exomes 0.00001; TOPMed 0.00002.
gnomAD v4.1: 12 of 1,595,502 alleles (0.00075%); highest among the groups gnomAD compares: Non-Finnish European, 0.00095%; no homozygotes.

Submission:

Women's Health and Genetics/Laboratory Corporation of America, LabCorp
Classification: Uncertain significance. Last evaluated: 2018-09-20. Review status: criteria provided, single submitter. Criteria: LabCorp Variant Classification Summary - May 2015. Collection method: clinical testing. Allele origin: germline.
Comment: Variant summary: SMN1 c.835-33T>G is located at a position not widely known to affect splicing. 5/5 computational tools predict no significant impact on normal splicing. However, these predictions have yet to be confirmed by functional studies. The variant was absent in 269346 control chromosomes (gnomAD). The available data on variant occurrences in the general population are insufficient to allow any conclusion about variant significance. To our knowledge, no occurrence of c.835-33T>G in individuals affected with Spinal Muscular Atrophy and no experimental evidence demonstrating its impact on protein function have been reported. No clinical diagnostic laboratories have submitted clinical-significance assessments for this variant to ClinVar after 2014. Based on the evidence outlined above, the variant was classified as VUS-possibly benign.